The following is an entry in ClinVar:

NM_017777.4(MKS1):c.639T>A (p.Tyr213Ter)

Gene: MKS1 (MKS transition zone complex subunit 1; minus strand). Cytogenetic location: 17q22.
Variant type: single nucleotide variant.
Coding change: c.639T>A on transcript NM_017777.4 (MANE Select); coding-DNA position 639, T replaced by A.
Protein change: p.Tyr213Ter; replaces tyrosine 213 with a stop codon.
Molecular consequence: nonsense.
Genome position (GRCh38, 1-based): chr17:58,214,264, A>T on the plus strand (T>A on the coding strand, the complement: MKS1 is on the minus strand). VCF-style: chr17-58214264-A-T. GRCh37 (hg19) VCF-style: chr17-56291625-A-T.
Other names: c.30T>A, p.Tyr10Ter (NM_001321268.2); c.639T>A, p.Tyr213Ter (NM_001321269.2, NM_001330397.2); short protein forms Y10*, Y213*.
Identifiers: ClinVar variation 1420123 (VCV001420123.6), dbSNP rs746647549, ClinGen allele CA400326830.
Genomic context (GRCh38, chr17:58,214,264, plus strand): 5'-TGGTGAGAGGAGAAAAGGATGAGGCTCTAAGCTGGCAGTGAGAAGCGCCACTCACTTTTT[A>T]TAGGGCCCCAGGTCTGCCATGATGTGCATTGTCTGAAGAGGGGTGTTAATGACGTGGTTG-3'

ClinVar aggregate classification (germline): Pathogenic (1 of 4 stars; one submission).

Conditions:
Joubert syndrome. Also called: CEREBELLOPARENCHYMAL DISORDER IV; JOUBERT-BOLTSHAUSER SYNDROME; Familial aplasia of the vermis. Identifiers: Orphanet 475, MedGen C5979921, MONDO:0018772.
Meckel-Gruber syndrome. Also called: DYSENCEPHALIA SPLANCHNOCYSTICA; GRUBER SYNDROME; Dysencephalia splachnocystica. Identifiers: Orphanet 564, MedGen C0265215, MONDO:0018921.

Submission:

Labcorp Genetics (formerly Invitae), Labcorp
Classification: Pathogenic for Joubert syndrome; Meckel-Gruber syndrome. Last evaluated: 2023-07-17. Review status: criteria provided, single submitter. Criteria: Invitae Variant Classification Sherloc (09022015). Collection method: clinical testing. Allele origin: germline.
Comment: For these reasons, this variant has been classified as Pathogenic. ClinVar contains an entry for this variant (Variation ID: 1420123). This variant has not been reported in the literature in individuals affected with MKS1-related conditions. This variant is not present in population databases (gnomAD no frequency). This sequence change creates a premature translational stop signal (p.Tyr213*) in the MKS1 gene. It is expected to result in an absent or disrupted protein product. Loss-of-function variants in MKS1 are known to be pathogenic (PMID: 19466712, 24886560, 26490104).

Literature cited by the submitters: PubMed 19466712; PubMed 24886560; PubMed 26490104.